The following is an entry in ClinVar:

ClinVar aggregate classification (germline): Uncertain significance (1 of 4 stars; one submission).

Allele frequency attached by ClinVar (database versions not stated): gnomAD exomes below 0.00001; gnomAD 0.00001.
gnomAD v4.1: 3 of 1,602,934 alleles (0.00019%); highest among the groups gnomAD compares: Admixed American, 0.0018%; no homozygotes.

Submission:

Labcorp Genetics (formerly Invitae), Labcorp
Classification: Uncertain significance. Last evaluated: 2021-11-03. Review status: criteria provided, single submitter. Criteria: Invitae Variant Classification Sherloc (09022015). Collection method: clinical testing. Allele origin: germline.
Comment: In summary, the available evidence is currently insufficient to determine the role of this variant in disease. Therefore, it has been classified as a Variant of Uncertain Significance. Algorithms developed to predict the effect of missense changes on protein structure and function (SIFT, PolyPhen-2, Align-GVGD) all suggest that this variant is likely to be disruptive. This variant has not been reported in the literature in individuals affected with CENPF-related conditions. This variant is present in population databases (no rsID available, gnomAD 0.0009%). This sequence change replaces glutamine, which is neutral and polar, with glutamic acid, which is acidic and polar, at codon 571 of the CENPF protein (p.Gln571Glu).

NM_016343.4(CENPF):c.1711C>G (p.Gln571Glu)

Gene: CENPF (centromere protein F; plus strand). Cytogenetic location: 1q41.
Variant type: single nucleotide variant.
Coding change: c.1711C>G on transcript NM_016343.4 (MANE Select); coding-DNA position 1711, C replaced by G.
Protein change: p.Gln571Glu; replaces glutamine 571 with glutamic acid.
Molecular consequence: missense variant.
Genome position (GRCh38, 1-based): chr1:214,640,049, C>G. VCF-style: chr1-214640049-C-G. GRCh37 (hg19) VCF-style: chr1-214813392-C-G.
Other names: short protein forms Q571E.
Identifiers: ClinVar variation 1368871 (VCV001368871.6), dbSNP rs1433346924, ClinGen allele CA344818439.